The following is an entry in ClinVar:

NM_004360.5(CDH1):c.801del (p.Phe267fs)

Gene: CDH1 (cadherin 1; plus strand). Cytogenetic location: 16q22.1.
Variant type: Deletion.
Coding change: c.801del on transcript NM_004360.5 (MANE Select); coding-DNA position 801, one base deleted (T; older notation c.801delT).
Protein change: p.Phe267fs; shifts the reading frame from phenylalanine 267.
Molecular consequence: frameshift variant. On other transcripts: 5 prime UTR variant (2).
Genome position (GRCh38, 1-based): chr16:68,810,310, T deleted; the last of 3 consecutive T bases (chr16:68,810,308-68,810,310); deleting any one gives the same sequence. VCF-style (leftmost placement, unchanged base first): chr16-68810307-CT-C. GRCh37 (hg19) VCF-style: chr16-68844210-CT-C.
Other names: c.801del, p.Phe267fs (NM_001317184.2); c.-815del (NM_001317185.2); c.-1019del (NM_001317186.2); short protein forms F267fs.
Identifiers: ClinVar variation 2681860 (VCV002681860.1), dbSNP rs2543919271, ClinGen allele CA2697555896.

ClinVar aggregate classification (germline): Pathogenic (1 of 4 stars; one submission).

Submission:

Quest Diagnostics Nichols Institute San Juan Capistrano
Classification: Pathogenic. Last evaluated: 2023-01-11. Review status: criteria provided, single submitter. Criteria: Quest Diagnostics criteria. Collection method: clinical testing. Allele origin: unknown.
Comment: This frameshift variant alters the translational reading frame of the CDH1 mRNA and causes the premature termination of CDH1 protein synthesis. The variant has not been reported in individuals with CDH1-related diseases in the published literature. It also has not been reported in large, multi-ethnic general populations. Based on the available information, this variant is classified as pathogenic.